The following is an entry in ClinVar:

NM_001382391.1(CSPP1):c.2129G>T (p.Gly710Val)

Gene: CSPP1 (centrosome and spindle pole associated protein 1; plus strand). Cytogenetic location: 8q13.2.
Variant type: single nucleotide variant.
Coding change: c.2129G>T on transcript NM_001382391.1 (MANE Select); coding-DNA position 2129, G replaced by T.
Protein change: p.Gly710Val; replaces glycine 710 with valine.
Molecular consequence: missense variant.
Genome position (GRCh38, 1-based): chr8:67,154,024, G>T. VCF-style: chr8-67154024-G-T. GRCh37 (hg19) VCF-style: chr8-68066259-G-T.
Other names: c.1079G>T, p.Ser360Ile (NM_001291339.2); c.2048G>T, p.Gly683Val (NM_001363131.2); c.1934G>T, p.Ser645Ile (NM_001363132.2); c.1853G>T, p.Ser618Ile (NM_001363133.2); c.2195G>T, p.Gly732Val (NM_001364869.1); c.2015G>T, p.Gly672Val (NM_001364870.1); c.2114G>T, p.Gly705Val (NM_024790.7); short protein forms G705V, G672V, G710V, G732V, S360I, G683V, S618I, S645I.
Identifiers: ClinVar variation 1034854 (VCV001034854.8), dbSNP rs780885390, ClinGen allele CA371187596.
Genomic context (GRCh38, chr8:67,154,024, plus strand): 5'-AACTGTTAAATTTTCTAAGCATTGGCTAATAGTATGTTTTTGCAAAATATTTCTTTCAAG[G>T]TCATATGCAAACACAGAGCTCTCCTTTTGCTCGGGGAAATGTATTTGGTGAGCCTCCAAC-3'
Protein context (NP_001369320.1, residues 700-720): NLEDAANKSS[Gly710Val]HMQTQSSPFA

ClinVar aggregate classification (germline): Uncertain significance (1 of 4 stars; one submission).

Conditions:
Joubert syndrome 21 (JBTS21). Identifiers: MedGen C3810212, MONDO:0014288, OMIM 615636.

gnomAD v4.1: 1 of 1,526,096 alleles (0.000066%); highest among the groups gnomAD compares: Non-Finnish European, 0.000091%; no homozygotes.

Submission:

Labcorp Genetics (formerly Invitae), Labcorp
Classification: Uncertain significance for Joubert syndrome 21. Last evaluated: 2022-08-15. Review status: criteria provided, single submitter. Criteria: Invitae Variant Classification Sherloc (09022015). Collection method: clinical testing. Allele origin: germline.
Comment: In summary, the available evidence is currently insufficient to determine the role of this variant in disease. Therefore, it has been classified as a Variant of Uncertain Significance. Algorithms developed to predict the effect of sequence changes on RNA splicing suggest that this variant may disrupt the consensus splice site. Algorithms developed to predict the effect of missense changes on protein structure and function are either unavailable or do not agree on the potential impact of this missense change (SIFT: "Deleterious"; PolyPhen-2: "Possibly Damaging"; Align-GVGD: "Class C0"). ClinVar contains an entry for this variant (Variation ID: 1034854). This variant has not been reported in the literature in individuals affected with CSPP1-related conditions. This variant is not present in population databases (gnomAD no frequency). This sequence change replaces glycine, which is neutral and non-polar, with valine, which is neutral and non-polar, at codon 705 of the CSPP1 protein (p.Gly705Val).